The following is an entry in ClinVar:

NM_000022.4(ADA):c.608A>C (p.Glu203Ala)

Gene: ADA (adenosine deaminase; minus strand). Cytogenetic location: 20q13.12.
Variant type: single nucleotide variant.
Coding change: c.608A>C on transcript NM_000022.4 (MANE Select); coding-DNA position 608, A replaced by C.
Protein change: p.Glu203Ala; replaces glutamic acid 203 with alanine.
Molecular consequence: missense variant. On other transcripts: non-coding transcript variant (1), intron variant (1).
Genome position (GRCh38, 1-based): chr20:44,623,077, T>G on the plus strand (A>C on the coding strand, the complement: ADA is on the minus strand). VCF-style: chr20-44623077-T-G. GRCh37 (hg19) VCF-style: chr20-43251718-T-G.
Other names: NM_000022.4(ADA):c.608A>C; p.Glu203Ala; c.203A>C, p.Glu68Ala (NM_001322050.2); c.607-147A>C (NM_001322051.2); short protein forms E203A, E68A.
Identifiers: ClinVar variation 835256 (VCV000835256.4), dbSNP rs200089190, ClinGen allele CA315435990.

ClinVar aggregate classification (germline): Uncertain significance. Review status: reviewed by expert panel (3 of 4 stars). 3 submissions from 3 submitters: Uncertain significance (1). 2 of the submissions do not count toward it. Last evaluated 2024-06-10.

Conditions:
Severe combined immunodeficiency, autosomal recessive, T cell-negative, B cell-negative, NK cell-negative, due to adenosine deaminase deficiency. Also called: ADA-SCID; SCID DUE TO ADA DEFICIENCY; SCID DUE TO ADA DEFICIENCY, EARLY-ONSET; Adenosine deaminase deficient severe combined immunodeficiency; Severe combined immunodeficiency due to ADA deficiency; Adenosine Deaminase Deficiency. Identifiers: Orphanet 277, MedGen C0392607, MONDO:0007064, OMIM 102700.

Allele frequency attached by ClinVar (database versions not stated): gnomAD exomes 0.00003 and below 0.00001; gnomAD 0.00002; TOPMed 0.00002.
gnomAD v4.1: 51 of 1,613,894 alleles (0.0032%); highest among the groups gnomAD compares: Non-Finnish European, 0.0038%; no homozygotes.

Submissions (3):

ClinGen Severe Combined Immunodeficiency Variant Curation Expert Panel, ClinGen
Classification: Uncertain significance for Severe combined immunodeficiency, autosomal recessive, T cell-negative, B cell-negative, NK cell-negative, due to adenosine deaminase deficiency. Last evaluated: 2024-06-10. Review status: reviewed by expert panel. Criteria: ClinGen SCID ACMG Specifications ADA V1.0.0. Collection method: curation. Allele origin: germline. Inheritance: Autosomal recessive inheritance.
Comment: NM_000022.4:c.608A>C is a missense variant predicted to cause substitution of Glutamic Acid by Alanine at amino acid 203 (p.Glu203Ala).The filtering allele frequency (the upper threshold of the 95% CI of 45/1179982) of the c.608A>C variant in ADA is 0.00002828 for European Non-Finnish chromosomes by gnomAD v4, which is lower than the ClinGen SCID VCEP threshold (<0.0001742) for PM2_Supporting, and therefore meets this criterion (PM2_Supporting). There are no publications for this variant in the literature. Based on insufficient evidence, this variant may be classified as variant of uncertain significance for autosomal recessive SCID based on ACMG/AMP criteria applied, as specified by the ClinGen SCID VCEP(specification version 1.0): PM2_Supporting.

Labcorp Genetics (formerly Invitae), Labcorp
Classification: Uncertain significance for Severe combined immunodeficiency, autosomal recessive, T cell-negative, B cell-negative, NK cell-negative, due to adenosine deaminase deficiency. Last evaluated: 2021-08-24. Review status: criteria provided, single submitter. Criteria: Invitae Variant Classification Sherloc (09022015). Collection method: clinical testing. Allele origin: germline. Not counted in ClinVar's aggregate classification.
Comment: This sequence change replaces glutamic acid with alanine at codon 203 of the ADA protein (p.Glu203Ala). The glutamic acid residue is moderately conserved and there is a moderate physicochemical difference between glutamic acid and alanine. This variant is not present in population databases (ExAC no frequency). This variant has not been reported in the literature in individuals affected with ADA-related conditions. Algorithms developed to predict the effect of missense changes on protein structure and function (SIFT, PolyPhen-2, Align-GVGD) all suggest that this variant is likely to be tolerated. In summary, the available evidence is currently insufficient to determine the role of this variant in disease. Therefore, it has been classified as a Variant of Uncertain Significance.

Natera, Inc.
Classification: Uncertain significance for Severe combined immunodeficiency due to ADA deficiency. Last evaluated: 2020-09-16. Review status: no assertion criteria provided. Collection method: clinical testing. Allele origin: germline. Not counted in ClinVar's aggregate classification.